The following is an entry in ClinVar:

ClinVar aggregate classification (germline): Likely pathogenic (1 of 4 stars; one submission).

Conditions:
Oculocutaneous albinism type 1A (OCA1A). Also called: Albinism, oculocutaneous, type IA. Identifiers: Orphanet 352731, Orphanet 79431, MedGen C4551504, MONDO:0008745, OMIM 203100. Disease mechanism: loss of function.
Oculocutaneous albinism type 1B (OCA1B). Also called: YELLOW ALBINISM; ALBINISM, OCULOCUTANEOUS, TYPE IB; ALBINISM, YELLOW MUTANT TYPE. Identifiers: Orphanet 352731, Orphanet 352737, Orphanet 79434, MedGen C1847024, MONDO:0011749, OMIM 606952.

Submission:

Juno Genomics, Hangzhou Juno Genomics, Inc
Classification: Likely pathogenic for Oculocutaneous albinism type 1A; Oculocutaneous albinism type 1B. Review status: criteria provided, single submitter. Criteria: ACMG Guidelines, 2015. Collection method: clinical testing. Allele origin: germline. Affected: yes.
Comment: Absent from controls (or at extremely low frequency if recessive) in Genome Aggregation Database, Exome Sequencing Project, 1000 Genomes Project, or Exome Aggregation Consortium.;Multiple lines of computational evidence support a deleterious effect on the gene or gene product (conservation, evolutionary, splicing impact, etc).;For recessive disorders, detected in trans with a pathogenic variant.;Patient's phenotype or family history is highly specific for a disease with a single genetic etiology.;Novel missense change at an amino acid residue where a different missense change determined to be pathogenic has been seen before.

NM_000372.5(TYR):c.635G>C (p.Arg212Thr)

Gene: TYR (tyrosinase; plus strand). Cytogenetic location: 11q14.3.
Variant type: single nucleotide variant.
Coding change: c.635G>C on transcript NM_000372.5 (MANE Select); coding-DNA position 635, G replaced by C.
Protein change: p.Arg212Thr; replaces arginine 212 with threonine.
Molecular consequence: missense variant.
Genome position (GRCh38, 1-based): chr11:89,178,588, G>C. VCF-style: chr11-89178588-G-C. GRCh37 (hg19) VCF-style: chr11-88911756-G-C.
Other names: short protein forms R212T.
Identifiers: ClinVar variation 3381855 (VCV003381855.3).